The following is an entry in ClinVar:

ClinVar aggregate classification (germline): Uncertain significance (1 of 4 stars; one submission).

Submission:

GeneDx
Classification: Uncertain significance. Last evaluated: 2023-11-06. Review status: criteria provided, single submitter. Criteria: GeneDx Variant Classification Process June 2021. Collection method: clinical testing. Allele origin: germline. Affected: yes.
Comment: Not observed at significant frequency in large population cohorts (gnomAD); In silico analysis supports that this missense variant has a deleterious effect on protein structure/function; Has not been previously published as pathogenic or benign to our knowledge

NM_207037.2(TCF12):c.254A>C (p.His85Pro)

Gene: TCF12 (transcription factor 12; plus strand). Cytogenetic location: 15q21.3.
Variant type: single nucleotide variant.
Coding change: c.254A>C on transcript NM_207037.2 (MANE Select); coding-DNA position 254, A replaced by C.
Protein change: p.His85Pro; replaces histidine 85 with proline.
Molecular consequence: missense variant. On other transcripts: 5 prime UTR variant (1).
Genome position (GRCh38, 1-based): chr15:57,091,820, A>C. VCF-style: chr15-57091820-A-C. GRCh37 (hg19) VCF-style: chr15-57384018-A-C.
Other names: c.254A>C, p.His85Pro (NM_001322151.2, NM_001322152.2, NM_001322157.3 and 7 more transcripts); c.-399A>C (NM_001322154.2); c.80A>C, p.His27Pro (NM_001322156.2, NM_001322158.2); c.290A>C, p.His97Pro (NM_001322164.2); short protein forms H27P, H85P, H97P.
Identifiers: ClinVar variation 3363900 (VCV003363900.1).